The following is an entry in ClinVar:

NM_054027.6(ANKH):c.*2543G>C

Genes: ANKH (ANKH inorganic pyrophosphate transport regulator; minus strand), OTULIN (OTU deubiquitinase with linear linkage specificity; plus strand). Cytogenetic location: 5p15.2.
Variant type: single nucleotide variant.
Coding change: c.*2543G>C on transcript NM_054027.6 (MANE Select); 2543 bases downstream of the stop codon, G replaced by C.
Molecular consequence: 3 prime UTR variant.
Genome position (GRCh38, 1-based): chr5:14,708,654, C>G on the plus strand (G>C on the coding strand, the complement: ANKH is on the minus strand). VCF-style: chr5-14708654-C-G. GRCh37 (hg19) VCF-style: chr5-14708763-C-G.
Identifiers: ClinVar variation 351445 (VCV000351445.5), dbSNP rs143619241, ClinGen allele CA10623166.
Genomic context (GRCh38, chr5:14,708,654, plus strand): 5'-CAGGAGAATATGCCAGTTCTCAGTTTTGCCTCAAAGTTGTTAGGCTGTGACTTAAGCAGC[C>G]CAAGTGAAGAAAATGTACGAAGAAGGATCACGTGCTTTAAGGTGAAAGGTTTGAACAAGT-3'

ClinVar aggregate classification (germline): Benign. Review status: criteria provided, single submitter (1 of 4 stars). 2 submissions from 1 submitter: Benign (2). Last evaluated 2018-01-13.

Conditions:
Chondrocalcinosis 2. Also called: CALCIUM GOUT; CALCIUM PYROPHOSPHATE ARTHROPATHY; Familial calcium pyrophosphate deposition. Identifiers: Orphanet 1416, MedGen C0856830, MONDO:0007319, OMIM 118600.
Craniometaphyseal dysplasia, autosomal dominant (CMDD). Identifiers: Orphanet 1522, MedGen C1852502, MONDO:0007397, OMIM 123000.

Allele frequency attached by ClinVar (database versions not stated): gnomAD 0.00297 and 0.00325; TOPMed 0.00332; 1000 Genomes Project 0.00339; 1000 Genomes Project 30x 0.00359.

Submissions (2):

Illumina Laboratory Services, Illumina
Classification: Benign for Chondrocalcinosis 2. Last evaluated: 2018-01-13. Review status: criteria provided, single submitter. Criteria: ICSL Variant Classification Criteria 13 December 2019. Collection method: clinical testing. Allele origin: germline.
Comment: This variant was observed in the ICSL laboratory as part of a predisposition screen in an ostensibly healthy population. It had not been previously curated by ICSL or reported in the Human Gene Mutation Database (HGMD: prior to June 1st, 2018), and was therefore a candidate for classification through an automated scoring system. Utilizing variant allele frequency, disease prevalence and penetrance estimates, and inheritance mode, an automated score was calculated to assess if this variant is too frequent to cause the disease. Based on the score and internal cut-off values, a variant classified as benign is not then subjected to further curation. The score for this variant resulted in a classification of benign for this disease.

Illumina Laboratory Services, Illumina
Classification: Benign for Craniometaphyseal dysplasia, autosomal dominant. Last evaluated: 2018-01-13. Review status: criteria provided, single submitter. Criteria: ICSL Variant Classification Criteria 13 December 2019. Collection method: clinical testing. Allele origin: germline.
Comment: the same text as in the submission from Illumina Laboratory Services, Illumina above.